The following is an entry in ClinVar:

ClinVar aggregate classification (germline): Uncertain significance (1 of 4 stars; one submission).

Conditions:
Familial focal epilepsy with variable foci (FPEVF). Identifiers: Orphanet 98820, MedGen C1858477, MONDO:0020310.

Submission:

Labcorp Genetics (formerly Invitae), Labcorp
Classification: Uncertain significance for Familial focal epilepsy with variable foci. Last evaluated: 2021-07-09. Review status: criteria provided, single submitter. Criteria: Invitae Variant Classification Sherloc (09022015). Collection method: clinical testing. Allele origin: germline.
Comment: This variant, c.884_886del, is a complex sequence change that results in the deletion of 2 and insertion of 1 amino acid(s) in the DEPDC5 protein (p.Gln295_Gly296delinsArg). This variant is not present in population databases (ExAC no frequency). This variant has not been reported in the literature in individuals affected with DEPDC5-related conditions. Experimental studies and prediction algorithms are not available or were not evaluated, and the functional significance of this variant is currently unknown. In summary, the available evidence is currently insufficient to determine the role of this variant in disease. Therefore, it has been classified as a Variant of Uncertain Significance.

NM_001242896.3(DEPDC5):c.884_886del (p.Gln295_Gly296delinsArg)

Gene: DEPDC5 (DEP domain containing 5, GATOR1 subcomplex subunit; plus strand). Cytogenetic location: 22q12.2.
Variant type: Deletion.
Coding change: c.884_886del on transcript NM_001242896.3 (MANE Select); coding-DNA positions 884 to 886, 3 bases deleted (AAG; older notation c.884_886delAAG).
Protein change: p.Gln295_Gly296delinsArg.
Molecular consequence: inframe indel. On other transcripts: non-coding transcript variant (5).
Genome position (GRCh38, 1-based): chr22:31,798,594-31,798,596, AAG deleted. VCF-style (leftmost placement, unchanged base first): chr22-31798593-CAAG-C. GRCh37 (hg19) VCF-style: chr22-32194579-CAAG-C.
Other names: c.884_886del, p.Gln295_Gly296delinsArg (NM_001007188.4, NM_001136029.4, NM_001242897.2 and 7 more transcripts); c.800_802del, p.Gln267_Gly268delinsArg (NM_001369901.1, NM_001369902.1).
Identifiers: ClinVar variation 1489608 (VCV001489608.6), dbSNP rs2148587515, ClinGen allele CA2573158151.